The following is an entry in ClinVar:

ClinVar aggregate classification (germline): Pathogenic (1 of 4 stars; one submission).

Conditions:
Intellectual developmental disorder 61. Also called: MENTAL RETARDATION, AUTOSOMAL DOMINANT 61; INTELLECTUAL DEVELOPMENTAL DISORDER, AUTOSOMAL DOMINANT 61. Identifiers: MedGen C5231400, MONDO:0032485, OMIM 618009.

Submission:

Greenwood Genetic Center Diagnostic Laboratories, Greenwood Genetic Center
Classification: Pathogenic for Intellectual developmental disorder 61. Last evaluated: 2023-04-27. Review status: criteria provided, single submitter. Criteria: ACMG Guidelines, 2015. Collection method: clinical testing. Allele origin: somatic. Affected: yes.
Comment: PVS1, PS2, PM2

NM_005121.3(MED13):c.1513C>T (p.Gln505Ter)

Gene: MED13 (mediator complex subunit 13; minus strand). Cytogenetic location: 17q23.2.
Variant type: single nucleotide variant.
Coding change: c.1513C>T on transcript NM_005121.3 (MANE Select); coding-DNA position 1513, C replaced by T.
Protein change: p.Gln505Ter; replaces glutamine 505 with a stop codon.
Molecular consequence: nonsense.
Genome position (GRCh38, 1-based): chr17:62,011,004, G>A on the plus strand (C>T on the coding strand, the complement: MED13 is on the minus strand). VCF-style: chr17-62011004-G-A. GRCh37 (hg19) VCF-style: chr17-60088365-G-A.
Other names: short protein forms Q505*.
Identifiers: ClinVar variation 2572179 (VCV002572179.1), dbSNP rs1300242966, ClinGen allele CA400518782.